The following is an entry in ClinVar:

NM_000138.5(FBN1):c.2341T>G (p.Cys781Gly)

Gene: FBN1 (fibrillin 1; minus strand). Cytogenetic location: 15q21.1.
Variant type: single nucleotide variant.
Coding change: c.2341T>G on transcript NM_000138.5 (MANE Select); coding-DNA position 2341, T replaced by G.
Protein change: p.Cys781Gly; replaces cysteine 781 with glycine.
Molecular consequence: missense variant.
Genome position (GRCh38, 1-based): chr15:48,496,178, A>C on the plus strand (T>G on the coding strand, the complement: FBN1 is on the minus strand). VCF-style: chr15-48496178-A-C. GRCh37 (hg19) VCF-style: chr15-48788375-A-C.
Other names: c.2341T>G, p.Cys781Gly (NM_001406716.1); short protein forms C781G.
Identifiers: ClinVar variation 2925569 (VCV002925569.3), dbSNP rs397515766, ClinGen allele CA392335457.

ClinVar aggregate classification (germline): Likely pathogenic (1 of 4 stars; one submission).

Conditions:
Marfan syndrome (MFS). Also called: MARFAN SYNDROME, TYPE I; Marfan syndrome type 1; Marfan's syndrome; Marfan syndrome, classic; FBN1-Related Marfan Syndrome. Identifiers: Orphanet 284963, Orphanet 558, MedGen C0024796, MONDO:0007947, OMIM 154700.
Familial thoracic aortic aneurysm and aortic dissection (TAAD). Also called: Thoracic aortic aneurysms and dissections. Identifiers: Orphanet 91387, MedGen C4707243, MONDO:0019625.

Submission:

Labcorp Genetics (formerly Invitae), Labcorp
Classification: Likely pathogenic for Marfan syndrome; Familial thoracic aortic aneurysm and aortic dissection. Last evaluated: 2023-09-12. Review status: criteria provided, single submitter. Criteria: Invitae Variant Classification Sherloc (09022015). Collection method: clinical testing. Allele origin: germline.
Comment: This sequence change replaces cysteine, which is neutral and slightly polar, with glycine, which is neutral and non-polar, at codon 781 of the FBN1 protein (p.Cys781Gly). This variant is not present in population databases (gnomAD no frequency). This variant has not been reported in the literature in individuals affected with FBN1-related conditions. Advanced modeling of protein sequence and biophysical properties (such as structural, functional, and spatial information, amino acid conservation, physicochemical variation, residue mobility, and thermodynamic stability) performed at Invitae indicates that this missense variant is expected to disrupt FBN1 protein function. This variant affects a cysteine residue in the EGF-like, TGFBP or hybrid motif domains of FBN1. Cysteine residues are believed to be involved in intramolecular disulfide bridges and have been shown to be important for FBN1 protein structure (PMID: 16905551, 19349279). In addition, missense substitutions affecting cysteine residues within these domains are significantly overrepresented among patients with Marfan syndrome (PMID: 16571647, 17701892). In summary, the currently available evidence indicates that the variant is pathogenic, but additional data are needed to prove that conclusively. Therefore, this variant has been classified as Likely Pathogenic.

Literature cited by the submitters: PubMed 16905551; PubMed 19349279; PubMed 16571647; PubMed 17701892.